The following is an entry in ClinVar:

NM_001453.3(FOXC1):c.1574G>A (p.Gly525Glu)

Gene: FOXC1 (forkhead box C1; plus strand). Cytogenetic location: 6p25.3.
Variant type: single nucleotide variant.
Coding change: c.1574G>A on transcript NM_001453.3 (MANE Select); coding-DNA position 1574, G replaced by A.
Protein change: p.Gly525Glu; replaces glycine 525 with glutamic acid.
Molecular consequence: missense variant.
Genome position (GRCh38, 1-based): chr6:1,612,019, G>A. VCF-style: chr6-1612019-G-A. GRCh37 (hg19) VCF-style: chr6-1612254-G-A.
Other names: short protein forms G525E.
Identifiers: ClinVar variation 4743965 (VCV004743965.1).

ClinVar aggregate classification (germline): Uncertain significance (1 of 4 stars; one submission).

Conditions:
Axenfeld-Rieger syndrome type 3 (RIEG3). Also called: AXENFELD-RIEGER ANOMALY WITH CARDIAC DEFECTS AND/OR SENSORINEURAL HEARING LOSS. Identifiers: Orphanet 782, MedGen C2678503, MONDO:0011233, OMIM 602482.

Submission:

Labcorp Genetics (formerly Invitae), Labcorp
Classification: Uncertain significance for Axenfeld-Rieger syndrome type 3. Last evaluated: 2025-05-13. Review status: criteria provided, single submitter. Criteria: Invitae Variant Classification Sherloc (09022015). Collection method: clinical testing. Allele origin: germline.
Comment: This sequence change replaces glycine, which is neutral and non-polar, with glutamic acid, which is acidic and polar, at codon 525 of the FOXC1 protein (p.Gly525Glu). This variant is not present in population databases (gnomAD no frequency). This variant has not been reported in the literature in individuals affected with FOXC1-related conditions. An algorithm developed to predict the effect of missense changes on protein structure and function (PolyPhen-2) suggests that this variant is likely to be disruptive. In summary, the available evidence is currently insufficient to determine the role of this variant in disease. Therefore, it has been classified as a Variant of Uncertain Significance.